The following is an entry in ClinVar:

ClinVar aggregate classification (germline): Uncertain significance (1 of 4 stars; one submission).

Submission:

GeneDx
Classification: Uncertain significance. Last evaluated: 2024-03-24. Review status: criteria provided, single submitter. Criteria: GeneDx Variant Classification Process June 2021. Collection method: clinical testing. Allele origin: germline.
Comment: Not observed at significant frequency in large population cohorts (gnomAD); In silico analysis supports that this missense variant has a deleterious effect on protein structure/function; Has not been previously published as pathogenic or benign to our knowledge

NM_004595.5(SMS):c.685T>G (p.Cys229Gly)

Gene: SMS (spermine synthase; plus strand). Cytogenetic location: Xp22.11.
Variant type: single nucleotide variant.
Coding change: c.685T>G on transcript NM_004595.5 (MANE Select); coding-DNA position 685, T replaced by G.
Protein change: p.Cys229Gly; replaces cysteine 229 with glycine.
Molecular consequence: missense variant.
Genome position (GRCh38, 1-based): chrX:21,978,901, T>G. VCF-style: chrX-21978901-T-G. GRCh37 (hg19) VCF-style: chrX-21997019-T-G.
Other names: c.526T>G, p.Cys176Gly (NM_001258423.2); short protein forms C176G, C229G.
Identifiers: ClinVar variation 2430424 (VCV002430424.2), dbSNP rs2519671158, ClinGen allele CA412569019.